The following is an entry in ClinVar:

ClinVar aggregate classification (germline): Pathogenic/Likely pathogenic. Review status: criteria provided, multiple submitters, no conflicts (2 of 4 stars). 4 submissions from 4 submitters: Pathogenic (3); Likely pathogenic (1). Last evaluated 2024-10-07.

Conditions:
Familial cancer of breast. Also called: Hereditary breast cancer; hereditary breast carcinoma; BREAST CANCER, FAMILIAL. Identifiers: Orphanet 227535, MedGen C0346153, MONDO:0016419, OMIM 114480. Disease mechanism: loss of function.
Ataxia-telangiectasia syndrome (AT). Also called: Ataxia-telangiectasia, complementation group D; AT, COMPLEMENTATION GROUP C; Ataxia-telangiectasia; Ataxia telangiectasia (A-T); Cerebello-oculocutaneous telangiectasia; Immunodeficiency with ataxia telangiectasia. Identifiers: Orphanet 100, MedGen C0004135, MONDO:0008840, OMIM 208900.

Submissions (4):

Women's Health and Genetics/Laboratory Corporation of America, LabCorp
Classification: Pathogenic for Ataxia-telangiectasia syndrome. Last evaluated: 2024-10-07. Review status: criteria provided, single submitter. Criteria: LabCorp Variant Classification Summary - May 2015. Collection method: clinical testing. Allele origin: germline.
Comment: Variant summary: ATM c.914delC (p.Ser305X) results in a premature termination codon, predicted to cause a truncation of the encoded protein or absence of the protein due to nonsense mediated decay, which are commonly known mechanisms for disease. The variant was absent in 250772 control chromosomes. To our knowledge, no occurrence of c.914delC in individuals affected with Ataxia-Telangiectasia and no experimental evidence demonstrating its impact on protein function have been reported. ClinVar contains an entry for this variant (Variation ID: 1947526). Based on the evidence outlined above, the variant was classified as pathogenic.

Myriad Genetics, Inc.
Classification: Pathogenic for Familial cancer of breast. Last evaluated: 2024-01-11. Review status: criteria provided, single submitter. Criteria: Myriad Autosomal Dominant, Autosomal Recessive and X-Linked Classification Criteria (2023). Collection method: clinical testing. Allele origin: unknown.
Comment: This variant is considered pathogenic. This variant creates a termination codon and is predicted to result in premature protein truncation.

Baylor Genetics
Classification: Likely pathogenic for Familial cancer of breast. Last evaluated: 2022-07-25. Review status: criteria provided, single submitter. Criteria: ACMG Guidelines, 2015. Collection method: clinical testing. Allele origin: unknown.

Labcorp Genetics (formerly Invitae), Labcorp
Classification: Pathogenic for Ataxia-telangiectasia syndrome. Last evaluated: 2022-06-18. Review status: criteria provided, single submitter. Criteria: Invitae Variant Classification Sherloc (09022015). Collection method: clinical testing. Allele origin: germline.
Comment: For these reasons, this variant has been classified as Pathogenic. Algorithms developed to predict the effect of sequence changes on RNA splicing suggest that this variant may disrupt the consensus splice site. This variant has not been reported in the literature in individuals affected with ATM-related conditions. This variant is not present in population databases (gnomAD no frequency). This sequence change creates a premature translational stop signal (p.Ser305*) in the ATM gene. It is expected to result in an absent or disrupted protein product. Loss-of-function variants in ATM are known to be pathogenic (PMID: 23807571, 25614872).

Literature cited by the submitters: PubMed 23807571 (cited by Labcorp Genetics (formerly Invitae), Labcorp); PubMed 25614872 (cited by Labcorp Genetics (formerly Invitae), Labcorp).

NM_000051.4(ATM):c.914del (p.Glu304_Ser305insTer)

Gene: ATM (ATM serine/threonine kinase; plus strand). Cytogenetic location: 11q22.3.
Variant type: Deletion.
Coding change: c.914del on transcript NM_000051.4 (MANE Select); coding-DNA position 914, one base deleted (C; older notation c.914delC).
Protein change: p.Glu304_Ser305insTer.
Molecular consequence: nonsense.
Genome position (GRCh38, 1-based): chr11:108,246,976, C deleted. VCF-style (leftmost placement, unchanged base first): chr11-108246975-TC-T. GRCh37 (hg19) VCF-style: chr11-108117702-TC-T.
Other names: c.914del, p.Glu304_Ser305insTer (NM_001351834.2); c.914delC (NM_000051.4).
Identifiers: ClinVar variation 1947526 (VCV001947526.8), dbSNP rs2497178607, ClinGen allele CA2580083740.